The following is an entry in ClinVar:

NM_001122769.3(LCA5):c.550del (p.Ala184fs)

Gene: LCA5 (lebercilin LCA5; minus strand). Cytogenetic location: 6q14.1.
Variant type: Deletion.
Coding change: c.550del on transcript NM_001122769.3 (MANE Select); coding-DNA position 550, one base deleted (G; older notation c.550delG).
Protein change: p.Ala184fs; shifts the reading frame from alanine 184.
Molecular consequence: frameshift variant.
Genome position (GRCh38, 1-based): chr6:79,513,382, C deleted on the plus strand (G on the coding strand, the reverse complement: LCA5 is on the minus strand); the first of 3 consecutive C bases (chr6:79,513,382-79,513,384); deleting any one gives the same sequence. VCF-style (leftmost placement, unchanged base first): chr6-79513381-GC-G. GRCh37 (hg19) VCF-style: chr6-80223098-GC-G.
Other names: c.550del, p.Ala184fs (NM_181714.4); short protein forms A184fs.
Identifiers: ClinVar variation 1683408 (VCV001683408.6), dbSNP rs2127680021, ClinGen allele CA2573141174.

ClinVar aggregate classification (germline): Pathogenic/Likely pathogenic. Review status: criteria provided, multiple submitters, no conflicts (2 of 4 stars). 2 submissions from 2 submitters: Pathogenic (1); Likely pathogenic (1). Last evaluated 2024-11-13.

Conditions:
Leber congenital amaurosis (LCA). Also called: Leber's amaurosis. Identifiers: Orphanet 65, MedGen C0339527, MeSH D057130, MONDO:0018998.

Submissions (2):

Labcorp Genetics (formerly Invitae), Labcorp
Classification: Pathogenic. Last evaluated: 2024-11-13. Review status: criteria provided, single submitter. Criteria: Invitae Variant Classification Sherloc (09022015). Collection method: clinical testing. Allele origin: germline.
Comment: This sequence change creates a premature translational stop signal (p.Ala184Glnfs*6) in the LCA5 gene. It is expected to result in an absent or disrupted protein product. Loss-of-function variants in LCA5 are known to be pathogenic (PMID: 17546029, 23946133). This variant is not present in population databases (gnomAD no frequency). This variant has not been reported in the literature in individuals affected with LCA5-related conditions. ClinVar contains an entry for this variant (Variation ID: 1683408). For these reasons, this variant has been classified as Pathogenic.

Women's Health and Genetics/Laboratory Corporation of America, LabCorp
Classification: Likely pathogenic for Leber congenital amaurosis. Last evaluated: 2022-04-01. Review status: criteria provided, single submitter. Criteria: LabCorp Variant Classification Summary - May 2015. Collection method: clinical testing. Allele origin: germline.
Comment: Variant summary: LCA5 c.550delG (p.Ala184GlnfsX6) results in a premature termination codon, predicted to cause a truncation of the encoded protein or absence of the protein due to nonsense mediated decay, which are known mechanisms for disease. Truncations downstream of this position have been reported in affected individuals (HGMD). The variant was absent in 251016 control chromosomes (gnomAD). To our knowledge, no occurrence of c.550delG in individuals affected with Leber Congenital Amaurosis and no experimental evidence demonstrating its impact on protein function have been reported. No clinical diagnostic laboratories have submitted clinical-significance assessments for this variant to ClinVar after 2014. Based on the evidence outlined above, the variant was classified as likely pathogenic.

Literature cited by the submitters: PubMed 17546029 (cited by Labcorp Genetics (formerly Invitae), Labcorp); PubMed 23946133 (cited by Labcorp Genetics (formerly Invitae), Labcorp).